The following is an entry in ClinVar:

ClinVar aggregate classification (germline): Uncertain significance (1 of 4 stars; one submission).

Conditions:
Menkes kinky-hair syndrome (MNK). Also called: Classic Menkes Disease; Copper transport disease; Menkes Disease. Identifiers: Orphanet 565, MedGen C0022716, MONDO:0010651, OMIM 309400.
Cutis laxa, X-linked (OHS). Also called: EDS IX; Occipital horn syndrome. Identifiers: Orphanet 198, MedGen C0268353, MONDO:0010572, OMIM 304150.
X-linked distal spinal muscular atrophy type 3. Also called: ATP7A-Related Distal Motor Neuropathy; SPINAL MUSCULAR ATROPHY, DISTAL, X-LINKED RECESSIVE; NEURONOPATHY, DISTAL HEREDITARY MOTOR, X-LINKED; NEUROPATHY, DISTAL HEREDITARY MOTOR, X-LINKED. Identifiers: Orphanet 139557, MedGen C1845359, MONDO:0010338, OMIM 300489.

Submission:

Labcorp Genetics (formerly Invitae), Labcorp
Classification: Uncertain significance for X-linked distal spinal muscular atrophy type 3; Cutis laxa, X-linked; Menkes kinky-hair syndrome. Last evaluated: 2023-12-16. Review status: criteria provided, single submitter. Criteria: Invitae Variant Classification Sherloc (09022015). Collection method: clinical testing. Allele origin: germline.
Comment: This sequence change replaces valine, which is neutral and non-polar, with phenylalanine, which is neutral and non-polar, at codon 948 of the ATP7A protein (p.Val948Phe). This variant is not present in population databases (gnomAD no frequency). This variant has not been reported in the literature in individuals affected with ATP7A-related conditions. Advanced modeling of protein sequence and biophysical properties (such as structural, functional, and spatial information, amino acid conservation, physicochemical variation, residue mobility, and thermodynamic stability) performed at Invitae indicates that this missense variant is not expected to disrupt ATP7A protein function with a negative predictive value of 95%. In summary, the available evidence is currently insufficient to determine the role of this variant in disease. Therefore, it has been classified as a Variant of Uncertain Significance.

NM_000052.7(ATP7A):c.2842G>T (p.Val948Phe)

Gene: ATP7A (ATPase copper transporting alpha; plus strand). Cytogenetic location: Xq21.1.
Variant type: single nucleotide variant.
Coding change: c.2842G>T on transcript NM_000052.7 (MANE Select); coding-DNA position 2842, G replaced by T.
Protein change: p.Val948Phe; replaces valine 948 with phenylalanine.
Molecular consequence: missense variant.
Genome position (GRCh38, 1-based): chrX:78,021,005, G>T. VCF-style: chrX-78021005-G-T. GRCh37 (hg19) VCF-style: chrX-77276502-G-T.
Other names: c.2608G>T, p.Val870Phe (NM_001282224.2); short protein forms V870F, V948F.
Identifiers: ClinVar variation 2951855 (VCV002951855.3), dbSNP rs2077902319, ClinGen allele CA413602823.
Genomic context (GRCh38, chrX:78,021,005, plus strand): 5'-GCTCCTATCCAGCAGTTTGCAGACAAACTCAGTGGCTATTTTGTTCCTTTTATTGTTTTT[G>T]TTTCCATTGCCACCCTCTTGGTATGGATTGTAATTGGATTTCTGAATTTTGAAATTGTGG-3'
Protein context (NP_000043.4, residues 938-958): SGYFVPFIVF[Val948Phe]SIATLLVWIV